The following is an entry in ClinVar:

ClinVar aggregate classification (germline): Pathogenic (1 of 4 stars; one submission).

Conditions:
Bardet-Biedl syndrome 7 (BBS7). Identifiers: Orphanet 110, MedGen C1859565, MONDO:0014435, OMIM 615984.

Allele frequency attached by ClinVar (database versions not stated): gnomAD exomes below 0.00001.
gnomAD v4.1: 1 of 1,613,182 alleles (0.000062%); highest among the groups gnomAD compares: Non-Finnish European, 0.000085%; no homozygotes.

Submission:

MVZ Medizinische Genetik Mainz
Classification: Pathogenic for Bardet-Biedl syndrome 7. Last evaluated: 2021-12-16. Review status: criteria provided, single submitter. Criteria: UK Practice Guidelines For Variant Classification V4 01 2020. Collection method: clinical testing. Allele origin: germline. Inheritance: Autosomal recessive inheritance. Observed: 1 variant allele.
Comment: ACMG Criteria: PVS1, PM2_SUP, PM3_SUP, PP4 (ACMG Version 3)

NM_176824.3(BBS7):c.1886T>A (p.Leu629Ter)

Gene: BBS7 (Bardet-Biedl syndrome 7; minus strand). Cytogenetic location: 4q27.
Variant type: single nucleotide variant.
Coding change: c.1886T>A on transcript NM_176824.3 (MANE Select); coding-DNA position 1886, T replaced by A.
Protein change: p.Leu629Ter; replaces leucine 629 with a stop codon.
Molecular consequence: nonsense.
Genome position (GRCh38, 1-based): chr4:121,828,406, A>T on the plus strand (T>A on the coding strand, the complement: BBS7 is on the minus strand). VCF-style: chr4-121828406-A-T. GRCh37 (hg19) VCF-style: chr4-122749561-A-T.
Other names: c.1886T>A, p.Leu629Ter (NM_018190.4); short protein forms L629*.
Identifiers: ClinVar variation 3235150 (VCV003235150.2), dbSNP rs2476802503.